The following is an entry in ClinVar:

ClinVar aggregate classification (germline): Conflicting classifications of pathogenicity. Review status: criteria provided, conflicting classifications (1 of 4 stars). 3 submissions from 3 submitters: Pathogenic (1); Uncertain significance (2). Last evaluated 2024-10-03.

Conditions:
Hereditary cancer-predisposing syndrome. Also called: Neoplastic Syndromes, Hereditary; Hereditary Cancer Syndrome; Hereditary neoplastic syndrome; Tumor predisposition. Identifiers: Orphanet 140162, MedGen C0027672, MeSH D009386, MONDO:0015356.
Cardiovascular phenotype. Identifiers: MedGen CN230736.
Neurofibromatosis, type 1 (NF1). Also called: VON RECKLINGHAUSEN DISEASE; Peripheral type neurofibromatosis; NEUROFIBROMATOSIS, TYPE I, SOMATIC; Neurofibromatosis, type I. Identifiers: Orphanet 636, MedGen C0027831, MONDO:0018975, OMIM 162200. Disease mechanism: loss of function.

Submissions (3):

Blueprint Genetics
Classification: Uncertain significance. Last evaluated: 2024-10-03. Review status: criteria provided, single submitter. Criteria: ACMG Guidelines, 2015. Collection method: clinical testing. Allele origin: germline.

Ambry Genetics
Classification: Uncertain significance for Cardiovascular phenotype; Hereditary cancer-predisposing syndrome. Last evaluated: 2018-11-05. Review status: criteria provided, single submitter. Criteria: Ambry Variant Classification Scheme 2023. Collection method: clinical testing. Allele origin: germline.
Comment: The c.3197G>C variant (also known as p.R1066T), located in coding exon 24 of the NF1 gene, results from a G to C substitution at nucleotide position 3197. The amino acid change results in arginine to threonine at codon 1066, an amino acid with similar properties. However, this change occurs in the last base pair of coding exon 24, which makes it likely to have some effect on normal mRNA splicing. This amino acid position is highly conserved in available vertebrate species. In addition, the in silico prediction for this alteration is inconclusive. Since supporting evidence is limited at this time, the clinical significance of this alteration remains unclear.

Labcorp Genetics (formerly Invitae), Labcorp
Classification: Pathogenic for Neurofibromatosis, type 1. Last evaluated: 2017-05-30. Review status: criteria provided, single submitter. Criteria: Invitae Variant Classification Sherloc (09022015). Collection method: clinical testing. Allele origin: germline.
Comment: This sequence change replaces arginine with threonine at codon 1066 of the NF1 protein (p.Arg1066Thr). The arginine residue is moderately conserved and there is a moderate physicochemical difference between arginine and threonine. This variant also falls at the last nucleotide of exon 24 of the NF1 coding sequence, which is part of the consensus splice site for this exon. Nucleotide substitutions within the consensus splice site are relatively common causes of aberrant splicing (PMID: 17576681, 9536098). For these reasons, this variant has been classified as Pathogenic. Algorithms developed to predict the effect of sequence changes on RNA splicing suggest that this variant may disrupt the consensus splice site, but this prediction has not been confirmed by published transcriptional studies. Algorithms developed to predict the effect of missense changes on protein structure and function do not agree on the potential impact of this missense change (SIFT: "Deleterious"; PolyPhen-2: "Probably Damaging"; Align-GVGD: "Class C0"). This variant has been reported to be de novo in individuals affected with neurofibromatosis 1 (Invitae). This variant is not present in population databases (ExAC no frequency).

Literature cited by the submitters: PubMed 17576681 (cited by Labcorp Genetics (formerly Invitae), Labcorp); PubMed 9536098 (cited by Labcorp Genetics (formerly Invitae), Labcorp).

NM_001042492.3(NF1):c.3197G>C (p.Arg1066Thr)

Gene: NF1 (neurofibromin 1; plus strand). Cytogenetic location: 17q11.2.
Variant type: single nucleotide variant.
Coding change: c.3197G>C on transcript NM_001042492.3 (MANE Select); coding-DNA position 3197, G replaced by C.
Protein change: p.Arg1066Thr; replaces arginine 1066 with threonine.
Molecular consequence: missense variant.
Genome position (GRCh38, 1-based): chr17:31,230,925, G>C. VCF-style: chr17-31230925-G-C. GRCh37 (hg19) VCF-style: chr17-29557943-G-C.
Other names: c.3197G>C, p.Arg1066Thr (NM_000267.4); short protein forms R1066T.
Identifiers: ClinVar variation 457629 (VCV000457629.10), dbSNP rs1555614652, ClinGen allele CA398988333.